The following is an entry in ClinVar:

NM_001009944.3(PKD1):c.1857G>A (p.Pro619=)

Gene: PKD1 (polycystin 1, transient receptor potential channel interacting; minus strand). Cytogenetic location: 16p13.3.
Variant type: single nucleotide variant.
Coding change: c.1857G>A on transcript NM_001009944.3 (MANE Select); coding-DNA position 1857, G replaced by A.
Protein change: p.Pro619=; no amino-acid change (proline 619 retained).
Molecular consequence: synonymous variant.
Genome position (GRCh38, 1-based): chr16:2,115,618, C>T on the plus strand (G>A on the coding strand, the complement: PKD1 is on the minus strand). VCF-style: chr16-2115618-C-T. GRCh37 (hg19) VCF-style: chr16-2165619-C-T.
Other names: c.1857G>A, p.Pro619= (NM_000296.4).
Identifiers: ClinVar variation 3052028 (VCV003052028.3), dbSNP rs749014917, ClinGen allele CA7833362.

ClinVar aggregate classification (germline): Likely benign. Review status: criteria provided, single submitter (1 of 4 stars). 2 submissions from 2 submitters: Likely benign (1). 1 of the submissions does not count toward it. Last evaluated 2022-08-10.

Conditions:
PKD1-related disorder. Also called: PKD1-related condition.

Allele frequency attached by ClinVar (database versions not stated): ExAC 0.00001.

Submissions (2):

Blueprint Genetics
Classification: Likely benign. Last evaluated: 2022-08-10. Review status: criteria provided, single submitter. Criteria: ACMG Guidelines, 2015. Collection method: clinical testing. Allele origin: germline.

PreventionGenetics, part of Exact Sciences
Classification: Likely benign for PKD1-related condition. Last evaluated: 2020-02-26. Review status: no assertion criteria provided. Collection method: clinical testing. Allele origin: germline. Not counted in ClinVar's aggregate classification.
Comment: This variant is classified as likely benign based on ACMG/AMP sequence variant interpretation guidelines (Richards et al. 2015 PMID: 25741868, with internal and published modifications).